The following is an entry in ClinVar:

ClinVar aggregate classification (germline): Pathogenic (3 of 4 stars; one submission).

Conditions:
Breast-ovarian cancer, familial, susceptibility to, 1 (BROVCA1). Also called: BRCA1 Hereditary Breast and Ovarian Cancer; OVARIAN CANCER, SUSCEPTIBILITY TO. Identifiers: Orphanet 145, MedGen C2676676, MONDO:0011450, OMIM 604370. Disease mechanism: loss of function.

Submission:

Evidence-based Network for the Interpretation of Germline Mutant Alleles (ENIGMA)
Classification: Pathogenic for Breast-ovarian cancer, familial, susceptibility to, 1. Last evaluated: 2017-12-15. Review status: reviewed by expert panel. Criteria: ENIGMA BRCA1/2 Classification Criteria (2017-06-29). Collection method: curation. Allele origin: germline. Study: ENIGMA.
Comment: Variant allele predicted to encode a truncated non-functional protein.

NM_007294.4(BRCA1):c.4612_4613insG (p.Gln1538fs)

Gene: BRCA1 (BRCA1 DNA repair associated; minus strand). Cytogenetic location: 17q21.31.
Variant type: Insertion.
Coding change: c.4612_4613insG on transcript NM_007294.4 (MANE Select); coding-DNA positions 4612 to 4613, G inserted.
Protein change: p.Gln1538fs; shifts the reading frame from glutamine 1538.
Molecular consequence: frameshift variant. On other transcripts: non-coding transcript variant (1).
Genome position: GRCh38 VCF-style: chr17-43074393-T-TC. GRCh37 (hg19) VCF-style: chr17-41226410-T-TC.
Other names: c.4612_4613insG, p.Gln1538Argfs (NM_001407652.1, NM_001407684.1, NM_001407593.1 and 8 more transcripts); c.4534_4535insG, p.Gln1512Argfs (NM_001407653.1, NM_001407654.1, NM_001407655.1); c.4531_4532insG, p.Gln1511Argfs (NM_001407656.1, NM_001407657.1, NM_001407658.1); c.4528_4529insG, p.Gln1510Argfs (NM_001407659.1, NM_001407660.1, NM_001407661.1 and 2 more transcripts); c.4489_4490insG, p.Gln1497Argfs (NM_001407664.1, NM_001407665.1, NM_001407666.1 and 6 more transcripts); c.4486_4487insG, p.Gln1496Argfs (NM_001407670.1, NM_001407671.1, NM_001407672.1 and 11 more transcripts); c.4483_4484insG, p.Gln1495Argfs (NM_001407681.1, NM_001407682.1, NM_001407683.1 and 6 more transcripts); c.4480_4481insG, p.Gln1494Argfs (NM_001407690.1, NM_001407691.1); and 71 more; short protein forms Q434fs, Q1491fs, Q1538fs, Q1559fs.
Identifiers: ClinVar variation 548250 (VCV000548250.2), dbSNP rs1555581879, ClinGen allele CA658825011.